The following is an entry in ClinVar:

ClinVar aggregate classification (germline): Benign (1 of 4 stars; one submission).

Allele frequency attached by ClinVar (database versions not stated): gnomAD 0.04586 and 0.04906; TOPMed 0.05146; 1000 Genomes Project 0.05212.
gnomAD v4.1: 6,902 of 152,198 alleles (4.5%); highest among the groups gnomAD compares: African/African-American, 16%; 534 homozygotes.

Submission:

GeneDx
Classification: Benign. Last evaluated: 2018-06-14. Review status: criteria provided, single submitter. Criteria: GeneDx Variant Classification (06012015). Collection method: clinical testing. Allele origin: germline. Affected: yes.
Comment: This variant is considered likely benign or benign based on one or more of the following criteria: it is a conservative change, it occurs at a poorly conserved position in the protein, it is predicted to be benign by multiple in silico algorithms, and/or has population frequency not consistent with disease.

NM_012233.3(RAB3GAP1):c.74+294C>T

Gene: RAB3GAP1 (RAB3 GTPase activating protein catalytic subunit 1; plus strand). Cytogenetic location: 2q21.3.
Variant type: single nucleotide variant.
Coding change: c.74+294C>T on transcript NM_012233.3 (MANE Select); 294 bases into the intron after coding-DNA position 74, C replaced by T.
Molecular consequence: intron variant.
Genome position (GRCh38, 1-based): chr2:135,052,779, C>T. VCF-style: chr2-135052779-C-T. GRCh37 (hg19) VCF-style: chr2-135810349-C-T.
Other names: c.74+294C>T (NM_001172435.2).
Identifiers: ClinVar variation 672648 (VCV000672648.1), dbSNP rs59720178, ClinGen allele CA56559122.